The following is an entry in ClinVar:

NM_024529.5(CDC73):c.398C>G (p.Ala133Gly)

Gene: CDC73 (cell division cycle 73; plus strand). Cytogenetic location: 1q31.2.
Variant type: single nucleotide variant.
Coding change: c.398C>G on transcript NM_024529.5 (MANE Select); coding-DNA position 398, C replaced by G.
Protein change: p.Ala133Gly; replaces alanine 133 with glycine.
Molecular consequence: missense variant.
Genome position (GRCh38, 1-based): chr1:193,135,564, C>G. VCF-style: chr1-193135564-C-G. GRCh37 (hg19) VCF-style: chr1-193104694-C-G.
Other names: short protein forms A133G.
Identifiers: ClinVar variation 2199491 (VCV002199491.5), dbSNP rs2103121686, ClinGen allele CA343960703.

ClinVar aggregate classification (germline): Uncertain significance. Review status: criteria provided, multiple submitters, no conflicts (2 of 4 stars). 2 submissions from 2 submitters: Uncertain significance (2). Last evaluated 2024-09-18.

Conditions:
Parathyroid carcinoma (PRTC). Also called: CDC73-Related Parathyroid Carcinoma; Parathyroid gland carcinoma. Identifiers: Orphanet 143, MedGen C0687150, MONDO:0012004, OMIM 608266, HP:0006780.

Submissions (2):

Labcorp Genetics (formerly Invitae), Labcorp
Classification: Uncertain significance for Parathyroid carcinoma. Last evaluated: 2024-09-18. Review status: criteria provided, single submitter. Criteria: Invitae Variant Classification Sherloc (09022015). Collection method: clinical testing. Allele origin: germline.
Comment: This sequence change replaces alanine, which is neutral and non-polar, with glycine, which is neutral and non-polar, at codon 133 of the CDC73 protein (p.Ala133Gly). This variant is not present in population databases (gnomAD no frequency). This variant has not been reported in the literature in individuals affected with CDC73-related conditions. ClinVar contains an entry for this variant (Variation ID: 2199491). Invitae Evidence Modeling of protein sequence and biophysical properties (such as structural, functional, and spatial information, amino acid conservation, physicochemical variation, residue mobility, and thermodynamic stability) indicates that this missense variant is not expected to disrupt CDC73 protein function with a negative predictive value of 80%. In summary, the available evidence is currently insufficient to determine the role of this variant in disease. Therefore, it has been classified as a Variant of Uncertain Significance.

GeneDx
Classification: Uncertain significance. Last evaluated: 2023-12-18. Review status: criteria provided, single submitter. Criteria: GeneDx Variant Classification Process June 2021. Collection method: clinical testing. Allele origin: germline. Affected: yes.
Comment: Not observed at significant frequency in large population cohorts (gnomAD); In silico analysis supports that this missense variant does not alter protein structure/function; Has not been previously published as pathogenic or benign to our knowledge; This variant is associated with the following publications: (PMID: 17314275, 24340015)